The following is an entry in ClinVar:

NM_130466.4(UBE3B):c.1370T>C (p.Val457Ala)

Gene: UBE3B (ubiquitin protein ligase E3B; plus strand). Cytogenetic location: 12q24.11.
Variant type: single nucleotide variant.
Coding change: c.1370T>C on transcript NM_130466.4 (MANE Select); coding-DNA position 1370, T replaced by C.
Protein change: p.Val457Ala; replaces valine 457 with alanine.
Molecular consequence: missense variant.
Genome position (GRCh38, 1-based): chr12:109,503,110, T>C. VCF-style: chr12-109503110-T-C. GRCh37 (hg19) VCF-style: chr12-109940915-T-C.
Other names: c.1370T>C, p.Val457Ala (NM_183415.3); c.1370T>C (NM_130466.2); short protein forms V457A.
Identifiers: ClinVar variation 2172080 (VCV002172080.2), dbSNP rs376517537, ClinGen allele CA6777877.
Genomic context (GRCh38, chr12:109,503,110, plus strand): 5'-CGGCATCAGTCCGGAATATTCTCAGGCCTGTCGGGGGTAAACGGGTCGACTCTGCAGAAG[T>C]CCAGAAGGTTTGCAACATCTGTGTCCTCTACCAGACCTCGCTGACAACTCTCACACAGAT-3'
Protein context (NP_569733.2, residues 447-467): VGGKRVDSAE[Val457Ala]QKVCNICVLY

ClinVar aggregate classification (germline): Uncertain significance. Review status: criteria provided, multiple submitters, no conflicts (2 of 4 stars). 2 submissions from 2 submitters: Uncertain significance (2). Last evaluated 2024-03-04.

Conditions:
Inborn genetic diseases. Identifiers: MedGen C0950123, MeSH D030342.

Allele frequency attached by ClinVar (database versions not stated): ExAC 0.00001; gnomAD 0.00002; TOPMed 0.00002; gnomAD exomes 0.00004; ESP Exome Variant Server 0.00008.
gnomAD v4.1: 63 of 1,614,112 alleles (0.0039%); highest among the groups gnomAD compares: Non-Finnish European, 0.0053%; no homozygotes.

Submissions (2):

Ambry Genetics
Classification: Uncertain significance for Inborn genetic diseases. Last evaluated: 2024-03-04. Review status: criteria provided, single submitter. Criteria: Ambry Variant Classification Scheme 2023. Collection method: clinical testing. Allele origin: germline.

Labcorp Genetics (formerly Invitae), Labcorp
Classification: Uncertain significance. Last evaluated: 2022-01-17. Review status: criteria provided, single submitter. Criteria: Invitae Variant Classification Sherloc (09022015). Collection method: clinical testing. Allele origin: germline.
Comment: This sequence change replaces valine, which is neutral and non-polar, with alanine, which is neutral and non-polar, at codon 457 of the UBE3B protein (p.Val457Ala). This variant is present in population databases (rs376517537, gnomAD 0.004%). This variant has not been reported in the literature in individuals affected with UBE3B-related conditions. Algorithms developed to predict the effect of missense changes on protein structure and function output the following: SIFT: "Tolerated"; PolyPhen-2: "Benign"; Align-GVGD: "Class C0". The alanine amino acid residue is found in multiple mammalian species, which suggests that this missense change does not adversely affect protein function. In summary, the available evidence is currently insufficient to determine the role of this variant in disease. Therefore, it has been classified as a Variant of Uncertain Significance.